The following is an entry in ClinVar:

NM_000459.5(TEK):c.3339del (p.Thr1112_Tyr1113insTer)

Gene: TEK (TEK receptor tyrosine kinase; plus strand). Cytogenetic location: 9p21.2.
Variant type: Deletion.
Coding change: c.3339del on transcript NM_000459.5 (MANE Select); coding-DNA position 3339, one base deleted (T; older notation c.3339delT).
Protein change: p.Thr1112_Tyr1113insTer.
Molecular consequence: nonsense.
Genome position (GRCh38, 1-based): chr9:27,229,196, T deleted. VCF-style (leftmost placement, unchanged base first): chr9-27229195-AT-A. GRCh37 (hg19) VCF-style: chr9-27229193-AT-A.
Other names: c.2895del, p.Thr964_Tyr965insTer (NM_001290078.2); c.3336del, p.Thr1111_Tyr1112insTer (NM_001375475.1); c.3207del, p.Thr1068_Tyr1069insTer (NM_001375476.1); c.3210del, p.Thr1069_Tyr1070insTer (NM_001290077.2).
Identifiers: ClinVar variation 3774515 (VCV003774515.1).

ClinVar aggregate classification (germline): Pathogenic (1 of 4 stars; one submission).

Conditions:
Vascular malformation. Also called: Vascular malformations. Identifiers: MedGen C0158570, MONDO:0024291.

Submission:

Clinical Genomics Laboratory, Washington University in St. Louis
Classification: Pathogenic for Vascular malformation. Last evaluated: 2024-11-22. Review status: criteria provided, single submitter. Criteria: Leon-Quintero et al. (Clin Genet. 2025). Collection method: clinical testing. Allele origin: somatic. Affected: yes.
Comment: A TEK c.3339del (p.Tyr1113*) variant was identified at an allelic fraction consistent with somatic origin. This variant (p.Tyr1113*) has been identified in one individual in the literature (Limaye N et al., PMID: 26637981). In addition, the same amino acid change (p.Y1113*) casued by different nucleotide changes (c.3339T>A and c.3339_3342del) has been identified in four individuals in our laboratory cohort , all with vascular malformations (Cao Y et al., Genetics in Medicine Open, Volume 1, Issue 1, 2023). Additionally, the same amino acid alteration (p.Y1113*) due to a different coding change (c.3338dup) has been reported in the ClinVar database as a somatic pathogenic variant by one submitter (ClinVar ID:3340431). The TEK c.3339del (p.Tyr1113*) variant is absent from the general population (gnomAD v.4.1.0), indicating it is not a common variant. This variant resides within the C-terminal tail, which is defined as a critical functional domain (Shewchuk LM et al., PMID: 11080633). Functional studies on truncating variants in exon 23 of TEK (carboxy terminus of Tie2) demonstrated ligand-independent hyperphosphorylation of the Tie2 receptor, which is predicted to disrupt an autoinhibitory mechanism involving the C terminal region of Tie2 and thus resulting in constitutive activation of the downstream AKT signaling pathway (Natynki M et al., PMID: 26319232; Soblet J et al., PMID: 23801934; Niu XL et al., PMID: 12082108). Specifically, functional evidence demonstrates that modifications to the Y1113 residue in particular result in uncontrolled angiogenesis through the inhibition of calmodulin binding (Yang C et al., PMID: 27199448). This variant causes a premature termination codon due to the deletion of a single base, however, because this occurs in the last exon, this is not predicted to lead to nonsense mediated decay. Based on available information and an internally developed protocol informed by the ACMG/AMP guidelines for variant interpretation and gene-specific practices from the ClinGen Criteria Specification Registry (Leon-Quintero FZ et al., PMID: 39434542), the TEK c.3339del (p.Tyr1113*) variant is classified as pathogenic.